The following is an entry in ClinVar:

NM_030773.4(TUBB1):c.1071G>A (p.Pro357=)

Gene: TUBB1 (tubulin beta 1 class VI; plus strand). Cytogenetic location: 20q13.32.
Variant type: single nucleotide variant.
Coding change: c.1071G>A on transcript NM_030773.4 (MANE Select); coding-DNA position 1071, G replaced by A.
Protein change: p.Pro357=; no amino-acid change (proline 357 retained).
Molecular consequence: synonymous variant.
Genome position (GRCh38, 1-based): chr20:59,024,498, G>A. VCF-style: chr20-59024498-G-A. GRCh37 (hg19) VCF-style: chr20-57599553-G-A.
Identifiers: ClinVar variation 2070059 (VCV002070059.7), dbSNP rs148079612, ClinGen allele CA9928649.

ClinVar aggregate classification (germline): Benign/Likely benign. Review status: criteria provided, multiple submitters, no conflicts (2 of 4 stars). 4 submissions from 4 submitters: Benign (1); Likely benign (2). 1 of the submissions does not count toward it. Last evaluated 2025-12-19.

Conditions:
TUBB1-related disorder. Also called: TUBB1-related condition.

Allele frequency attached by ClinVar (database versions not stated): gnomAD exomes 0.00008; ExAC 0.00028; gnomAD 0.00050; TOPMed 0.00062; 1000 Genomes Project 30x 0.00078; ESP Exome Variant Server 0.00092; 1000 Genomes Project 0.00100.

Submissions (4):

Labcorp Genetics (formerly Invitae), Labcorp
Classification: Benign. Last evaluated: 2025-12-19. Review status: criteria provided, single submitter. Criteria: Invitae Variant Classification Sherloc (09022015). Collection method: clinical testing. Allele origin: germline.

Women's Health and Genetics/Laboratory Corporation of America, LabCorp
Classification: Likely benign. Last evaluated: 2025-05-08. Review status: criteria provided, single submitter. Criteria: LabCorp Variant Classification Summary - May 2015. Collection method: clinical testing. Allele origin: germline.

Blueprint Genetics
Classification: Likely benign. Last evaluated: 2024-11-26. Review status: criteria provided, single submitter. Criteria: ACMG Guidelines, 2015. Collection method: clinical testing. Allele origin: germline.

PreventionGenetics, part of Exact Sciences
Classification: Likely benign for TUBB1-related condition. Last evaluated: 2024-08-06. Review status: no assertion criteria provided. Collection method: clinical testing. Allele origin: germline. Not counted in ClinVar's aggregate classification.
Comment: This variant is classified as likely benign based on ACMG/AMP sequence variant interpretation guidelines (Richards et al. 2015 PMID: 25741868, with internal and published modifications).